The following is an entry in ClinVar:

NM_030962.4(SBF2):c.2935-3T>A

Genes: SBF2 (SET binding factor 2; minus strand), LOC101928008 (uncharacterized LOC101928008; plus strand). Cytogenetic location: 11p15.4.
Variant type: single nucleotide variant.
Coding change: c.2935-3T>A on transcript NM_030962.4 (MANE Select); 3 bases into the intron before coding-DNA position 2935, T replaced by A.
Molecular consequence: intron variant.
Genome position (GRCh38, 1-based): chr11:9,845,743, A>T on the plus strand (T>A on the coding strand, the complement: SBF2 is on the minus strand). VCF-style: chr11-9845743-A-T. GRCh37 (hg19) VCF-style: chr11-9867290-A-T.
Other names: c.2806-3T>A (NM_001386342.1); c.2935-3T>A (NM_001386339.1).
Identifiers: ClinVar variation 967167 (VCV000967167.5), dbSNP rs202116086, ClinGen allele CA5881407.
Genomic context (GRCh38, chr11:9,845,743, plus strand): 5'-TCTTAAAGATCTCTACTACTTCTGGACTGACTTCTTCATCAAATGCTACCTTAATCAACT[A>T]GAAGCAAAAGAGATTAAACACAAAAGAAGCATTAAGGATTTCCTGGCAACTTTCCCCCAA-3'

ClinVar aggregate classification (germline): Uncertain significance (1 of 4 stars; one submission).

Conditions:
Charcot-Marie-Tooth disease type 4. Also called: Charcot-Marie-Tooth disease, type IV; Charcot-Marie-Tooth, Type 4. Identifiers: Orphanet 64749, MedGen C4082197, MONDO:0018995.

Allele frequency attached by ClinVar (database versions not stated): TOPMed 0.00001; gnomAD 0.00001.
gnomAD v4.1: 28 of 1,613,384 alleles (0.0017%); highest among the groups gnomAD compares: Non-Finnish European, 0.00042%; no homozygotes.

Submission:

Labcorp Genetics (formerly Invitae), Labcorp
Classification: Uncertain significance for Charcot-Marie-Tooth disease type 4. Last evaluated: 2021-09-08. Review status: criteria provided, single submitter. Criteria: Invitae Variant Classification Sherloc (09022015). Collection method: clinical testing. Allele origin: germline.
Comment: This sequence change falls in intron 23 of the SBF2 gene. It does not directly change the encoded amino acid sequence of the SBF2 protein. It affects a nucleotide within the consensus splice site of the intron. This variant is present in population databases (rs202116086, ExAC 0.006%). This variant has not been reported in the literature in individuals affected with SBF2-related conditions. Variants that disrupt the consensus splice site are a relatively common cause of aberrant splicing (PMID: 17576681, 9536098). Algorithms developed to predict the effect of sequence changes on RNA splicing suggest that this variant may disrupt the consensus splice site. In summary, the available evidence is currently insufficient to determine the role of this variant in disease. Therefore, it has been classified as a Variant of Uncertain Significance.

Literature cited by the submitters: PubMed 17576681; PubMed 9536098.